The following is an entry in ClinVar:

ClinVar aggregate classification (germline): Uncertain significance (1 of 4 stars; one submission).

Conditions:
Bardet-Biedl syndrome (BBS). Identifiers: Orphanet 110, MedGen C0752166, MONDO:0015229.

Submission:

Labcorp Genetics (formerly Invitae), Labcorp
Classification: Uncertain significance for Bardet-Biedl syndrome. Last evaluated: 2024-05-25. Review status: criteria provided, single submitter. Criteria: Invitae Variant Classification Sherloc (09022015). Collection method: clinical testing. Allele origin: germline.
Comment: This sequence change replaces cysteine, which is neutral and slightly polar, with phenylalanine, which is neutral and non-polar, at codon 546 of the BBS12 protein (p.Cys546Phe). This variant is not present in population databases (gnomAD no frequency). This missense change has been observed in individual(s) with Bardet-Biedl syndrome (PMID: 35836572). Advanced modeling of protein sequence and biophysical properties (such as structural, functional, and spatial information, amino acid conservation, physicochemical variation, residue mobility, and thermodynamic stability) performed at Invitae indicates that this missense variant is expected to disrupt BBS12 protein function with a positive predictive value of 80%. In summary, the available evidence is currently insufficient to determine the role of this variant in disease. Therefore, it has been classified as a Variant of Uncertain Significance.

Literature cited by the submitters: PubMed 35836572.

NM_152618.3(BBS12):c.1637G>T (p.Cys546Phe)

Gene: BBS12 (Bardet-Biedl syndrome 12; plus strand). Cytogenetic location: 4q27.
Variant type: single nucleotide variant.
Coding change: c.1637G>T on transcript NM_152618.3 (MANE Select); coding-DNA position 1637, G replaced by T.
Protein change: p.Cys546Phe; replaces cysteine 546 with phenylalanine.
Molecular consequence: missense variant.
Genome position (GRCh38, 1-based): chr4:122,743,529, G>T. VCF-style: chr4-122743529-G-T. GRCh37 (hg19) VCF-style: chr4-123664684-G-T.
Other names: c.1637G>T, p.Cys546Phe (NM_001178007.2); short protein forms C546F.
Identifiers: ClinVar variation 3654544 (VCV003654544.2).